The following is an entry in ClinVar:

NM_013275.6(ANKRD11):c.1621C>T (p.Gln541Ter)

Gene: ANKRD11 (ankyrin repeat domain 11; minus strand). Cytogenetic location: 16q24.3.
Variant type: single nucleotide variant.
Coding change: c.1621C>T on transcript NM_013275.6 (MANE Select); coding-DNA position 1621, C replaced by T.
Protein change: p.Gln541Ter; replaces glutamine 541 with a stop codon.
Molecular consequence: nonsense.
Genome position (GRCh38, 1-based): chr16:89,284,921, G>A on the plus strand (C>T on the coding strand, the complement: ANKRD11 is on the minus strand). VCF-style: chr16-89284921-G-A. GRCh37 (hg19) VCF-style: chr16-89351329-G-A.
Other names: c.1621C>T, p.Gln541Ter (NM_001256182.2, NM_001256183.2); short protein forms Q541*.
Identifiers: ClinVar variation 694688 (VCV000694688.3), dbSNP rs1156815415, ClinGen allele CA397164569.

ClinVar aggregate classification (germline): Pathogenic. Review status: criteria provided, multiple submitters, no conflicts (2 of 4 stars). 2 submissions from 2 submitters: Pathogenic (2). Last evaluated 2024-06-04.

Conditions:
KBG syndrome (KBGS). Also called: ANKRD11-Related KBG Syndrome. Identifiers: Orphanet 2332, MedGen C0220687, MONDO:0007846, OMIM 148050.

Submissions (2):

Labcorp Genetics (formerly Invitae), Labcorp
Classification: Pathogenic for KBG syndrome. Last evaluated: 2024-06-04. Review status: criteria provided, single submitter. Criteria: Invitae Variant Classification Sherloc (09022015). Collection method: clinical testing. Allele origin: germline.
Comment: This sequence change creates a premature translational stop signal (p.Gln541*) in the ANKRD11 gene. It is expected to result in an absent or disrupted protein product. Loss-of-function variants in ANKRD11 are known to be pathogenic (PMID: 21782149, 25125236, 25413698, 25652421). This variant is not present in population databases (gnomAD no frequency). This variant has not been reported in the literature in individuals affected with ANKRD11-related conditions. ClinVar contains an entry for this variant (Variation ID: 694688). For these reasons, this variant has been classified as Pathogenic.

Institute for Genomic Statistics and Bioinformatics, University Hospital Bonn
Classification: Pathogenic for KBG syndrome. Review status: criteria provided, single submitter. Criteria: ACMG Guidelines, 2015. Collection method: clinical testing. Allele origin: unknown. Affected: yes. Observed: 1 variant allele.

Literature cited by the submitters: PubMed 21782149 (cited by Labcorp Genetics (formerly Invitae), Labcorp); PubMed 25125236 (cited by Labcorp Genetics (formerly Invitae), Labcorp); PubMed 25413698 (cited by Labcorp Genetics (formerly Invitae), Labcorp); PubMed 25652421 (cited by Labcorp Genetics (formerly Invitae), Labcorp).